The following is an entry in ClinVar:

NM_001430.5(EPAS1):c.768C>T (p.Tyr256=)

Genes: EPAS1 (endothelial PAS domain protein 1; plus strand), LOC126806210 (BRD4-independent group 4 enhancer GRCh37_chr2:46587586-46588785; plus strand). Cytogenetic location: 2p21.
Variant type: single nucleotide variant.
Coding change: c.768C>T on transcript NM_001430.5 (MANE Select); coding-DNA position 768, C replaced by T.
Protein change: p.Tyr256=; no amino-acid change (tyrosine 256 retained).
Molecular consequence: synonymous variant.
Genome position (GRCh38, 1-based): chr2:46,361,079, C>T. VCF-style: chr2-46361079-C-T. GRCh37 (hg19) VCF-style: chr2-46588218-C-T.
Identifiers: ClinVar variation 336250 (VCV000336250.10), dbSNP rs374493349, ClinGen allele CA1644738.

ClinVar aggregate classification (germline): Benign/Likely benign. Review status: criteria provided, multiple submitters, no conflicts (2 of 4 stars). 4 submissions from 4 submitters: Benign (2); Likely benign (2). Last evaluated 2026-01-26.

Conditions:
Erythrocytosis, familial, 4 (ECYT4). Identifiers: Orphanet 247511, MedGen C2673187, MONDO:0012729, OMIM 611783.
Inborn genetic diseases. Identifiers: MedGen C0950123, MeSH D030342.

Allele frequency attached by ClinVar (database versions not stated): gnomAD 0.00001 and 0.00039; TOPMed 0.00006; gnomAD exomes 0.00057 and 0.00112; ExAC 0.00134; 1000 Genomes Project 30x 0.00187; 1000 Genomes Project 0.00220.
gnomAD v4.1: 899 of 1,614,150 alleles (0.056%); highest among the groups gnomAD compares: South Asian, 0.93%; 12 homozygotes.

Submissions (4):

Labcorp Genetics (formerly Invitae), Labcorp
Classification: Benign. Last evaluated: 2026-01-26. Review status: criteria provided, single submitter. Criteria: Invitae Variant Classification Sherloc (09022015). Collection method: clinical testing. Allele origin: germline.

Blueprint Genetics
Classification: Likely benign. Last evaluated: 2024-11-07. Review status: criteria provided, single submitter. Criteria: ACMG Guidelines, 2015. Collection method: clinical testing. Allele origin: germline.

Ambry Genetics
Classification: Likely benign for Inborn genetic diseases. Last evaluated: 2022-02-22. Review status: criteria provided, single submitter. Criteria: Ambry Variant Classification Scheme 2023. Collection method: clinical testing. Allele origin: germline.

Illumina Laboratory Services, Illumina
Classification: Benign for Erythrocytosis, familial, 4. Last evaluated: 2018-01-13. Review status: criteria provided, single submitter. Criteria: ICSL Variant Classification Criteria 13 December 2019. Collection method: clinical testing. Allele origin: germline.
Comment: This variant was observed in the ICSL laboratory as part of a predisposition screen in an ostensibly healthy population. It had not been previously curated by ICSL or reported in the Human Gene Mutation Database (HGMD: prior to June 1st, 2018), and was therefore a candidate for classification through an automated scoring system. Utilizing variant allele frequency, disease prevalence and penetrance estimates, and inheritance mode, an automated score was calculated to assess if this variant is too frequent to cause the disease. Based on the score and internal cut-off values, a variant classified as benign is not then subjected to further curation. The score for this variant resulted in a classification of benign for this disease.